The following is an entry in ClinVar:

ClinVar aggregate classification (germline): Pathogenic (1 of 4 stars; one submission).

Conditions:
Developmental and epileptic encephalopathy, 2 (DEE2). Also called: INFANTILE SPASM SYNDROME, X-LINKED 2; CDKL5 deficiency disorder. Identifiers: Orphanet 1934, Orphanet 3451, Orphanet 505652, MedGen C4750718, MONDO:0010396, OMIM 300672.
Angelman syndrome-like. Identifiers: MedGen CN128785.

Submission:

Labcorp Genetics (formerly Invitae), Labcorp
Classification: Pathogenic for Developmental and epileptic encephalopathy, 2; Angelman syndrome-like. Last evaluated: 2023-10-10. Review status: criteria provided, single submitter. Criteria: Invitae Variant Classification Sherloc (09022015). Collection method: clinical testing. Allele origin: germline.
Comment: This sequence change replaces glutamic acid, which is acidic and polar, with lysine, which is basic and polar, at codon 21 of the CDKL5 protein (p.Glu21Lys). This variant is not present in population databases (gnomAD no frequency). This missense change has been observed in individual(s) with CDKL5-related conditions (Invitae). In at least one individual the variant was observed to be de novo. Advanced modeling of protein sequence and biophysical properties (such as structural, functional, and spatial information, amino acid conservation, physicochemical variation, residue mobility, and thermodynamic stability) performed at Invitae indicates that this missense variant is expected to disrupt CDKL5 protein function. This variant disrupts the p.Glu21 amino acid residue in CDKL5. Other variant(s) that disrupt this residue have been observed in individuals with CDKL5-related conditions (PMID: 23583054), which suggests that this may be a clinically significant amino acid residue. For these reasons, this variant has been classified as Pathogenic.

Literature cited by the submitters: PubMed 23583054.

NM_001323289.2(CDKL5):c.61G>A (p.Glu21Lys)

Gene: CDKL5 (cyclin dependent kinase like 5; plus strand). Cytogenetic location: Xp22.13.
Variant type: single nucleotide variant.
Coding change: c.61G>A on transcript NM_001323289.2 (MANE Select); coding-DNA position 61, G replaced by A.
Protein change: p.Glu21Lys; replaces glutamic acid 21 with lysine.
Molecular consequence: missense variant.
Genome position (GRCh38, 1-based): chrX:18,507,157, G>A. VCF-style: chrX-18507157-G-A. GRCh37 (hg19) VCF-style: chrX-18525277-G-A.
Other names: c.61G>A, p.Glu21Lys (NM_001037343.2, NM_003159.3); short protein forms E21K.
Identifiers: ClinVar variation 2951612 (VCV002951612.3), dbSNP rs2518776911, ClinGen allele CA412489611.